The following is an entry in ClinVar:

ClinVar aggregate classification (germline): Uncertain significance (1 of 4 stars; one submission).

Conditions:
Primary ciliary dyskinesia. Also called: Ciliary dyskinesia. Identifiers: Orphanet 244, MedGen C0008780, MONDO:0016575, HP:0012265.

Submission:

Ambry Genetics
Classification: Uncertain significance for Primary ciliary dyskinesia. Last evaluated: 2026-07-13. Review status: criteria provided, single submitter. Criteria: Ambry Variant Classification Scheme 2023. Collection method: clinical testing. Allele origin: germline.
Comment: The p.L901V variant (also known as c.2701C>G), located in coding exon 15 of the DNAH11 gene, results from a C to G substitution at nucleotide position 2701. The leucine at codon 901 is replaced by valine, an amino acid with highly similar properties. This amino acid position is conserved. In addition, this alteration is predicted to be tolerated by in silico analysis. Based on the available evidence, the clinical significance of this variant remains unclear.

NM_001277115.2(DNAH11):c.2701C>G (p.Leu901Val)

Gene: DNAH11 (dynein axonemal heavy chain 11; plus strand). Cytogenetic location: 7p15.3.
Variant type: single nucleotide variant.
Coding change: c.2701C>G on transcript NM_001277115.2 (MANE Select); coding-DNA position 2701, C replaced by G.
Protein change: p.Leu901Val; replaces leucine 901 with valine.
Molecular consequence: missense variant.
Genome position (GRCh38, 1-based): chr7:21,599,820, C>G. VCF-style: chr7-21599820-C-G. GRCh37 (hg19) VCF-style: chr7-21639438-C-G.
Other names: short protein forms L901V.
Identifiers: ClinVar variation 5035434 (VCV005035434.1).
Genomic context (GRCh38, chr7:21,599,820, plus strand): 5'-CATCCACTAATACTTGTCTGTTTCTAGGAAAATAGGAAGCTCTTCAAAGCCAATCCCTCT[C>G]TGGATACCTGGAAAATTTATGTAGAATTCATTGACGACATTGTGGTGGAAGGCTTTTTTC-3'
Protein context (NP_001264044.1, residues 891-911): NRKLFKANPS[Leu901Val]DTWKIYVEFI